The following is an entry in ClinVar:

ClinVar aggregate classification (germline): Uncertain significance (1 of 4 stars; one submission).

gnomAD v4.1: 2 of 1,614,136 alleles (0.00012%); highest among the groups gnomAD compares: Middle Eastern, 0.033%; no homozygotes.

Submission:

Labcorp Genetics (formerly Invitae), Labcorp
Classification: Uncertain significance. Last evaluated: 2024-06-09. Review status: criteria provided, single submitter. Criteria: Invitae Variant Classification Sherloc (09022015). Collection method: clinical testing. Allele origin: germline.
Comment: This sequence change replaces glutamic acid, which is acidic and polar, with lysine, which is basic and polar, at codon 413 of the ANXA11 protein (p.Glu413Lys). This variant is not present in population databases (gnomAD no frequency). This variant has not been reported in the literature in individuals affected with ANXA11-related conditions. An algorithm developed to predict the effect of missense changes on protein structure and function (PolyPhen-2) suggests that this variant is likely to be disruptive. In summary, the available evidence is currently insufficient to determine the role of this variant in disease. Therefore, it has been classified as a Variant of Uncertain Significance.

NM_145868.2(ANXA11):c.1237G>A (p.Glu413Lys)

Genes: ANXA11 (annexin A11; minus strand), LOC126860977 (CDK7 strongly-dependent group 2 enhancer GRCh37_chr10:81917938-81919137; plus strand). Cytogenetic location: 10q22.3.
Variant type: single nucleotide variant.
Coding change: c.1237G>A on transcript NM_145868.2 (MANE Select); coding-DNA position 1237, G replaced by A.
Protein change: p.Glu413Lys; replaces glutamic acid 413 with lysine.
Molecular consequence: missense variant.
Genome position (GRCh38, 1-based): chr10:80,159,139, C>T on the plus strand (G>A on the coding strand, the complement: ANXA11 is on the minus strand). VCF-style: chr10-80159139-C-T. GRCh37 (hg19) VCF-style: chr10-81918895-C-T.
Other names: c.1237G>A, p.Glu413Lys (NM_001157.3, NM_001278407.2, NM_001278408.2 and 1 more transcripts); c.1138G>A, p.Glu380Lys (NM_001278409.2); short protein forms E380K, E413K.
Identifiers: ClinVar variation 3701553 (VCV003701553.2).